The following is an entry in ClinVar:

NM_001999.4(FBN2):c.1295C>A (p.Ser432Tyr)

Gene: FBN2 (fibrillin 2; minus strand). Cytogenetic location: 5q23.3.
Variant type: single nucleotide variant.
Coding change: c.1295C>A on transcript NM_001999.4 (MANE Select); coding-DNA position 1295, C replaced by A.
Protein change: p.Ser432Tyr; replaces serine 432 with tyrosine.
Molecular consequence: missense variant.
Genome position (GRCh38, 1-based): chr5:128,393,305, G>T on the plus strand (C>A on the coding strand, the complement: FBN2 is on the minus strand). VCF-style: chr5-128393305-G-T. GRCh37 (hg19) VCF-style: chr5-127728998-G-T.
Other names: c.1295C>A (NM_001999.3); short protein forms S432Y.
Identifiers: ClinVar variation 2183181 (VCV002183181.5), dbSNP rs1324648329, ClinGen allele CA360749827.

ClinVar aggregate classification (germline): Conflicting classifications of pathogenicity. Review status: criteria provided, conflicting classifications (1 of 4 stars). 2 submissions from 2 submitters: Uncertain significance (1); Likely benign (1). Last evaluated 2025-12-23.

Conditions:
Congenital contractural arachnodactyly (CCA). Also called: BEALS SYNDROME; Beals-Hecht syndrome; Arthrogryposis, distal, type 9. Identifiers: Orphanet 115, MedGen C0220668, MONDO:0007363, OMIM 121050.
Familial thoracic aortic aneurysm and aortic dissection (TAAD). Also called: Thoracic aortic aneurysms and dissections. Identifiers: Orphanet 91387, MedGen C4707243, MONDO:0019625.

Allele frequency attached by ClinVar (database versions not stated): gnomAD exomes below 0.00001.
gnomAD v4.1: 6 of 1,614,172 alleles (0.00037%); highest among the groups gnomAD compares: Non-Finnish European, 0.00051%; no homozygotes.

Submissions (2):

Labcorp Genetics (formerly Invitae), Labcorp
Classification: Likely benign for Congenital contractural arachnodactyly. Last evaluated: 2025-12-23. Review status: criteria provided, single submitter. Criteria: Invitae Variant Classification Sherloc (09022015). Collection method: clinical testing. Allele origin: germline.

Ambry Genetics
Classification: Uncertain significance for Familial thoracic aortic aneurysm and aortic dissection. Last evaluated: 2025-08-26. Review status: criteria provided, single submitter. Criteria: Ambry Variant Classification Scheme 2023. Collection method: clinical testing. Allele origin: germline.
Comment: The p.S432Y variant (also known as c.1295C>A), located in coding exon 10 of the FBN2 gene, results from a C to A substitution at nucleotide position 1295. The serine at codon 432 is replaced by tyrosine, an amino acid with dissimilar properties. This amino acid position is well conserved in available vertebrate species. In addition, the in silico prediction for this alteration is inconclusive. Based on the available evidence, the clinical significance of this variant remains unclear.